The following is an entry in ClinVar:

NM_032856.5(WDR73):c.596G>A (p.Arg199Gln)

Gene: WDR73 (WD repeat domain 73; minus strand). Cytogenetic location: 15q25.2.
Variant type: single nucleotide variant.
Coding change: c.596G>A on transcript NM_032856.5 (MANE Select); coding-DNA position 596, G replaced by A.
Protein change: p.Arg199Gln; replaces arginine 199 with glutamine.
Molecular consequence: missense variant. On other transcripts: non-coding transcript variant (4).
Genome position (GRCh38, 1-based): chr15:84,645,758, C>T on the plus strand (G>A on the coding strand, the complement: WDR73 is on the minus strand). VCF-style: chr15-84645758-C-T. GRCh37 (hg19) VCF-style: chr15-85188989-C-T.
Other names: p.Arg199Gln; c.596G>A (NM_032856.2, NM_032856.4); short protein forms R199Q.
Identifiers: ClinVar variation 1311557 (VCV001311557.11), dbSNP rs370037552, ClinGen allele CA7707296.

ClinVar aggregate classification (germline): Conflicting classifications of pathogenicity. Review status: criteria provided, conflicting classifications (1 of 4 stars). 6 submissions from 6 submitters: Uncertain significance (5); Likely benign (1). Last evaluated 2025-10-12.

Conditions:
Inborn genetic diseases. Identifiers: MedGen C0950123, MeSH D030342.
Galloway-Mowat syndrome 1 (GAMOS1). Identifiers: Orphanet 2065, Orphanet 83472, MedGen C4551772, MONDO:0033005, OMIM 251300.

Allele frequency attached by ClinVar (database versions not stated): ESP Exome Variant Server 0.00008; gnomAD exomes 0.00010; gnomAD 0.00020 and 0.00024; TOPMed 0.00046.
gnomAD v4.1: 182 of 1,612,228 alleles (0.011%); highest among the groups gnomAD compares: Admixed American, 0.057%; no homozygotes.

Submissions (6):

Mayo Clinic Laboratories, Mayo Clinic
Classification: Uncertain significance. Last evaluated: 2025-10-12. Review status: criteria provided, single submitter. Criteria: ACMG Guidelines, 2015. Collection method: clinical testing. Allele origin: germline. Observed: 1 variant allele.
Comment: BP4_moderate

Ambry Genetics
Classification: Likely benign for Inborn genetic diseases. Last evaluated: 2025-03-07. Review status: criteria provided, single submitter. Criteria: Ambry Variant Classification Scheme 2023. Collection method: clinical testing. Allele origin: germline.

Labcorp Genetics (formerly Invitae), Labcorp
Classification: Uncertain significance. Last evaluated: 2025-01-06. Review status: criteria provided, single submitter. Criteria: Invitae Variant Classification Sherloc (09022015). Collection method: clinical testing. Allele origin: germline.
Comment: This sequence change replaces arginine, which is basic and polar, with glutamine, which is neutral and polar, at codon 199 of the WDR73 protein (p.Arg199Gln). This variant is present in population databases (rs370037552, gnomAD 0.02%). This variant has not been reported in the literature in individuals affected with WDR73-related conditions. ClinVar contains an entry for this variant (Variation ID: 1311557). Invitae Evidence Modeling of protein sequence and biophysical properties (such as structural, functional, and spatial information, amino acid conservation, physicochemical variation, residue mobility, and thermodynamic stability) indicates that this missense variant is not expected to disrupt WDR73 protein function with a negative predictive value of 80%. In summary, the available evidence is currently insufficient to determine the role of this variant in disease. Therefore, it has been classified as a Variant of Uncertain Significance.

Blueprint Genetics
Classification: Uncertain significance. Last evaluated: 2024-11-05. Review status: criteria provided, single submitter. Criteria: ACMG Guidelines, 2015. Collection method: clinical testing. Allele origin: germline.

Fulgent Genetics
Classification: Uncertain significance for Galloway-Mowat syndrome 1. Last evaluated: 2024-03-17. Review status: criteria provided, single submitter. Criteria: ACMG Guidelines, 2015. Collection method: clinical testing. Allele origin: germline.

GeneDx
Classification: Uncertain significance. Last evaluated: 2019-12-31. Review status: criteria provided, single submitter. Criteria: GeneDx Variant Classification Process June 2021. Collection method: clinical testing. Allele origin: germline. Affected: yes.
Comment: In silico analysis, which includes protein predictors and evolutionary conservation, supports that this variant does not alter protein structure/function; Has not been previously published as pathogenic or benign to our knowledge

Literature cited by the submitters: PubMed 36413997 (cited by Ambry Genetics).